The following is an entry in ClinVar:

ClinVar aggregate classification (germline): Uncertain significance (1 of 4 stars; one submission).

Submission:

Women's Health and Genetics/Laboratory Corporation of America, LabCorp
Classification: Uncertain significance. Last evaluated: 2024-11-13. Review status: criteria provided, single submitter. Criteria: LabCorp Variant Classification Summary - May 2015. Collection method: clinical testing. Allele origin: germline.
Comment: Variant summary: CFB c.37C>A (p.Pro13Thr) results in a non-conservative amino acid change in the encoded protein sequence. Four of five in-silico tools predict a benign effect of the variant on protein function. The variant was absent in 246402 control chromosomes. The available data on variant occurrences in the general population are insufficient to allow any conclusion about variant significance. To our knowledge, no occurrence of c.37C>A in individuals affected with &phenotype& and no experimental evidence demonstrating its impact on protein function have been reported. No submitters have cited clinical-significance assessments for this variant to ClinVar. Based on the evidence outlined above, the variant was classified as uncertain significance.

NM_001710.6(CFB):c.37C>A (p.Pro13Thr)

Gene: CFB (complement factor B; plus strand). Cytogenetic location: 6p21.33.
Variant type: single nucleotide variant.
Coding change: c.37C>A on transcript NM_001710.6 (MANE Select); coding-DNA position 37, C replaced by A.
Protein change: p.Pro13Thr; replaces proline 13 with threonine.
Molecular consequence: missense variant.
Genome position (GRCh38, 1-based): chr6:31,946,258, C>A. VCF-style: chr6-31946258-C-A. GRCh37 (hg19) VCF-style: chr6-31914035-C-A.
Other names: short protein forms P13T.
Identifiers: ClinVar variation 3629668 (VCV003629668.1).